The following is an entry in ClinVar:

NM_018163.3(DNAJC17):c.299T>A (p.Leu100Gln)

Gene: DNAJC17 (DnaJ heat shock protein family (Hsp40) member C17; minus strand). Cytogenetic location: 15q15.1.
Variant type: single nucleotide variant.
Coding change: c.299T>A on transcript NM_018163.3 (MANE Select); coding-DNA position 299, T replaced by A.
Protein change: p.Leu100Gln; replaces leucine 100 with glutamine.
Molecular consequence: missense variant.
Genome position (GRCh38, 1-based): chr15:40,776,624, A>T on the plus strand (T>A on the coding strand, the complement: DNAJC17 is on the minus strand). VCF-style: chr15-40776624-A-T. GRCh37 (hg19) VCF-style: chr15-41068822-A-T.
Other names: short protein forms L100Q.
Identifiers: ClinVar variation 4708560 (VCV004708560.1).

ClinVar aggregate classification (germline): Uncertain significance (1 of 4 stars; one submission).

gnomAD v4.1: 6 of 1,613,644 alleles (0.00037%); highest among the groups gnomAD compares: African/African-American, 0.008%; no homozygotes.

Submission:

Labcorp Genetics (formerly Invitae), Labcorp
Classification: Uncertain significance. Last evaluated: 2025-10-15. Review status: criteria provided, single submitter. Criteria: Invitae Variant Classification Sherloc (09022015). Collection method: clinical testing. Allele origin: germline.
Comment: This sequence change replaces leucine, which is neutral and non-polar, with glutamine, which is neutral and polar, at codon 100 of the DNAJC17 protein (p.Leu100Gln). This variant is present in population databases (no rsID available, gnomAD 0.008%). This variant has not been reported in the literature in individuals affected with DNAJC17-related conditions. An algorithm developed to predict the effect of missense changes on protein structure and function (PolyPhen-2) suggests that this variant is likely to be disruptive. Algorithms developed to predict the effect of sequence changes on RNA splicing suggest that this variant may create or strengthen a splice site. In summary, the available evidence is currently insufficient to determine the role of this variant in disease. Therefore, it has been classified as a Variant of Uncertain Significance.